The following is an entry in ClinVar:

ClinVar aggregate classification (germline): Uncertain significance (1 of 4 stars; one submission).

Conditions:
MEGF10-related myopathy (CMYO10A). Also called: Congenital myopathy 10A, severe variant. Identifiers: Orphanet 439212, MedGen C3280679, MONDO:0013731, OMIM 614399.

Allele frequency attached by ClinVar (database versions not stated): gnomAD 0.00002; gnomAD exomes 0.00003 and 0.00006; ExAC 0.00004.
gnomAD v4.1: 46 of 1,614,038 alleles (0.0028%); highest among the groups gnomAD compares: South Asian, 0.049%; 1 homozygote.

Submission:

Labcorp Genetics (formerly Invitae), Labcorp
Classification: Uncertain significance for MEGF10-related myopathy. Last evaluated: 2021-08-31. Review status: criteria provided, single submitter. Criteria: Invitae Variant Classification Sherloc (09022015). Collection method: clinical testing. Allele origin: germline.
Comment: This sequence change replaces glycine with arginine at codon 917 of the MEGF10 protein (p.Gly917Arg). The glycine residue is moderately conserved and there is a moderate physicochemical difference between glycine and arginine. This variant is present in population databases (rs779588329, ExAC 0.03%). This variant has not been reported in the literature in individuals affected with MEGF10-related conditions. Algorithms developed to predict the effect of missense changes on protein structure and function (SIFT, PolyPhen-2, Align-GVGD) all suggest that this variant is likely to be tolerated. In summary, the available evidence is currently insufficient to determine the role of this variant in disease. Therefore, it has been classified as a Variant of Uncertain Significance.

NM_001256545.2(MEGF10):c.2749G>C (p.Gly917Arg)

Gene: MEGF10 (multiple EGF like domains 10; plus strand). Cytogenetic location: 5q23.2.
Variant type: single nucleotide variant.
Coding change: c.2749G>C on transcript NM_001256545.2 (MANE Select); coding-DNA position 2749, G replaced by C.
Protein change: p.Gly917Arg; replaces glycine 917 with arginine.
Molecular consequence: missense variant.
Genome position (GRCh38, 1-based): chr5:127,447,577, G>C. VCF-style: chr5-127447577-G-C. GRCh37 (hg19) VCF-style: chr5-126783269-G-C.
Other names: c.2749G>C, p.Gly917Arg (NM_032446.3); short protein forms G917R.
Identifiers: ClinVar variation 1392584 (VCV001392584.5), dbSNP rs779588329, ClinGen allele CA3392015.